The following is an entry in ClinVar:

NM_001130438.3(SPTAN1):c.7174T>G (p.Ser2392Ala)

Gene: SPTAN1 (spectrin alpha, non-erythrocytic 1; plus strand). Cytogenetic location: 9q34.11.
Variant type: single nucleotide variant.
Coding change: c.7174T>G on transcript NM_001130438.3 (MANE Select); coding-DNA position 7174, T replaced by G.
Protein change: p.Ser2392Ala; replaces serine 2392 with alanine.
Molecular consequence: missense variant.
Genome position (GRCh38, 1-based): chr9:128,632,821, T>G. VCF-style: chr9-128632821-T-G. GRCh37 (hg19) VCF-style: chr9-131395100-T-G.
Other names: c.7237T>G, p.Ser2413Ala (NM_001363759.2); c.7114T>G, p.Ser2372Ala (NM_001363765.2, NM_001375314.2); c.7261T>G, p.Ser2421Ala (NM_001375310.1); c.7174T>G, p.Ser2392Ala (NM_001375311.2); c.7210T>G, p.Ser2404Ala (NM_001375312.2); c.7156T>G, p.Ser2386Ala (NM_001375313.1); c.7273T>G, p.Ser2425Ala (NM_001375318.1); c.7159T>G, p.Ser2387Ala (NM_003127.4); and 1 more; short protein forms S2367A, S2372A, S2386A, S2387A, S2392A, S2404A, S2413A, S2421A.
Identifiers: ClinVar variation 3065093 (VCV003065093.3), dbSNP rs2542396819, ClinGen allele CA375101567.

ClinVar aggregate classification (germline): Uncertain significance. Review status: criteria provided, multiple submitters, no conflicts (2 of 4 stars). 2 submissions from 2 submitters: Uncertain significance (2). Last evaluated 2025-03-10.

Conditions:
Developmental and epileptic encephalopathy, 5 (DEE5). Identifiers: Orphanet 3451, MedGen C3150731, MONDO:0013277, OMIM 613477.
Neuronopathy, distal hereditary motor, autosomal dominant 11. Also called: NEUROPATHY, DISTAL HEREDITARY MOTOR, 11. Identifiers: MedGen C5882697, MONDO:0957875, OMIM 620528.

Submissions (2):

Dasa
Classification: Uncertain significance for Neuronopathy, distal hereditary motor, autosomal dominant 11. Last evaluated: 2025-03-10. Review status: criteria provided, single submitter. Criteria: DASA Assertion Criteria. Collection method: clinical testing. Allele origin: germline.
Comment: NM_001130438.3(SPTAN1):c.7174T>G (p.Ser2392Ala) is a missense variant that results in the substitution of serine with alanine. This variant is absent from population databases. Computational prediction algorithms are consistent with a deleterious effect. The currently available literature and clinical evidence are not sufficient to establish a definitive association between this variant and the reported condition. Therefore, this variant is classified as a variant of uncertain significance.

Genomic Medicine Center of Excellence, King Faisal Specialist Hospital and Research Centre
Classification: Uncertain significance for Developmental and epileptic encephalopathy, 5. Last evaluated: 2024-03-26. Review status: criteria provided, single submitter. Criteria: ACMG Guidelines, 2015. Collection method: clinical testing. Allele origin: germline.